The following is an entry in ClinVar:

NM_000032.5(ALAS2):c.1354C>A (p.Arg452Ser)

Gene: ALAS2 (5'-aminolevulinate synthase 2; minus strand). Cytogenetic location: Xp11.21.
Variant type: single nucleotide variant.
Coding change: c.1354C>A on transcript NM_000032.5 (MANE Select); coding-DNA position 1354, C replaced by A.
Protein change: p.Arg452Ser; replaces arginine 452 with serine.
Molecular consequence: missense variant.
Genome position (GRCh38, 1-based): chrX:55,014,830, G>T on the plus strand (C>A on the coding strand, the complement: ALAS2 is on the minus strand). VCF-style: chrX-55014830-G-T. GRCh37 (hg19) VCF-style: chrX-55041263-G-T.
Other names: c.1243C>A, p.Arg415Ser (NM_001037967.4); c.1315C>A, p.Arg439Ser (NM_001037968.4); c.1354C>A (NM_000032.4); short protein forms R439S, R452S, R415S.
Identifiers: ClinVar variation 2138581 (VCV002138581.9), dbSNP rs137852311, ClinGen allele CA10428312.

ClinVar aggregate classification (germline): Pathogenic. Review status: criteria provided, multiple submitters, no conflicts (2 of 4 stars). 4 submissions from 4 submitters: Pathogenic (4). Last evaluated 2025-12-20.

Conditions:
ALAS2-related disorder. Also called: ALAS2-related condition.

Allele frequency attached by ClinVar (database versions not stated): TOPMed below 0.00001; gnomAD 0.00001; ExAC 0.00002.
gnomAD v4.1: 2 of 1,203,105 alleles (0.00017%); highest among the groups gnomAD compares: African/African-American, 0.0035%; no homozygotes.

Submissions (4):

Labcorp Genetics (formerly Invitae), Labcorp
Classification: Pathogenic. Last evaluated: 2025-12-20. Review status: criteria provided, single submitter. Criteria: Invitae Variant Classification Sherloc (09022015). Collection method: clinical testing. Allele origin: germline.
Comment: This sequence change replaces arginine, which is basic and polar, with serine, which is neutral and polar, at codon 452 of the ALAS2 protein (p.Arg452Ser). The frequency data for this variant in the population databases is considered unreliable, as metrics indicate poor data quality at this position in the gnomAD database. This missense change has been observed in individuals with clinical features of ALAS2-related conditions (PMID: 7592563, 19066423, 21800356). ClinVar contains an entry for this variant (Variation ID: 2138581). Invitae Evidence Modeling of protein sequence and biophysical properties (such as structural, functional, and spatial information, amino acid conservation, physicochemical variation, residue mobility, and thermodynamic stability) indicates that this missense variant is not expected to disrupt ALAS2 protein function with a negative predictive value of 95%. This variant disrupts the p.Arg452 amino acid residue in ALAS2. Other variant(s) that disrupt this residue have been determined to be pathogenic (PMID: 7592563, 21309041, 32297424). This suggests that this residue is clinically significant, and that variants that disrupt this residue are likely to be disease-causing. For these reasons, this variant has been classified as Pathogenic.

GeneDx
Classification: Pathogenic. Last evaluated: 2023-08-17. Review status: criteria provided, single submitter. Criteria: GeneDx Variant Classification Process June 2021. Collection method: clinical testing. Allele origin: germline. Affected: yes.
Comment: In silico analysis supports that this missense variant does not alter protein structure/function; This variant is associated with the following publications: (PMID: 21800356, 7592563, 19066423, 22740690)

Revvity Omics, Revvity
Classification: Pathogenic. Last evaluated: 2023-07-12. Review status: criteria provided, single submitter. Criteria: ACMG Guidelines, 2015. Collection method: clinical testing. Allele origin: germline.

Blueprint Genetics
Classification: Pathogenic for ALAS2-related disorders. Last evaluated: 2021-06-14. Review status: criteria provided, single submitter. Criteria: ACMG Guidelines, 2015. Collection method: clinical testing. Allele origin: germline. Affected: yes. Observed: 1 variant allele.

Literature cited by the submitters: PubMed 7592563 (cited by Labcorp Genetics (formerly Invitae), Labcorp); PubMed 19066423 (cited by Labcorp Genetics (formerly Invitae), Labcorp); PubMed 21800356 (cited by Labcorp Genetics (formerly Invitae), Labcorp); PubMed 21309041 (cited by Labcorp Genetics (formerly Invitae), Labcorp); PubMed 32297424 (cited by Labcorp Genetics (formerly Invitae), Labcorp).